The following is an entry in ClinVar:

ClinVar aggregate classification (germline): Pathogenic/Likely pathogenic. Review status: criteria provided, multiple submitters, no conflicts (2 of 4 stars). 2 submissions from 2 submitters: Pathogenic (1); Likely pathogenic (1). Last evaluated 2023-10-17.

Conditions:
Nemaline myopathy 2 (NEM2). Also called: Nemaline myopathy 2, autosomal recessive. Identifiers: MedGen C1850569, MONDO:0009725, OMIM 256030.
Arthrogryposis multiplex congenita 6. Identifiers: MedGen C5543431, MONDO:0030281, OMIM 619334.

gnomAD v4.1: 3 of 1,612,418 alleles (0.00019%); highest among the groups gnomAD compares: Non-Finnish European, 0.00017%; no homozygotes.

Submissions (2):

Baylor Genetics
Classification: Likely pathogenic for Arthrogryposis multiplex congenita 6. Last evaluated: 2023-10-17. Review status: criteria provided, single submitter. Criteria: ACMG Guidelines, 2015. Collection method: clinical testing. Allele origin: unknown.

Labcorp Genetics (formerly Invitae), Labcorp
Classification: Pathogenic for Nemaline myopathy 2. Last evaluated: 2022-08-16. Review status: criteria provided, single submitter. Criteria: Invitae Variant Classification Sherloc (09022015). Collection method: clinical testing. Allele origin: germline.
Comment: This variant is not present in population databases (gnomAD no frequency). For these reasons, this variant has been classified as Pathogenic. ClinVar contains an entry for this variant (Variation ID: 966571). This variant has not been reported in the literature in individuals affected with NEB-related conditions. This sequence change creates a premature translational stop signal (p.Tyr6617*) in the NEB gene. It is expected to result in an absent or disrupted protein product. Loss-of-function variants in NEB are known to be pathogenic (PMID: 25205138).

Literature cited by the submitters: PubMed 25205138 (cited by Labcorp Genetics (formerly Invitae), Labcorp).

NM_001164508.2(NEB):c.19851T>A (p.Tyr6617Ter)

Gene: NEB (nebulin; minus strand). Cytogenetic location: 2q23.3.
Variant type: single nucleotide variant.
Coding change: c.19851T>A on transcript NM_001164508.2 (MANE Select); coding-DNA position 19851, T replaced by A.
Protein change: p.Tyr6617Ter; replaces tyrosine 6617 with a stop codon.
Molecular consequence: nonsense.
Genome position (GRCh38, 1-based): chr2:151,551,831, A>T on the plus strand (T>A on the coding strand, the complement: NEB is on the minus strand). VCF-style: chr2-151551831-A-T. GRCh37 (hg19) VCF-style: chr2-152408345-A-T.
Other names: c.19851T>A, p.Tyr6617Ter (NM_001164507.2, NM_001271208.2); c.14748T>A, p.Tyr4916Ter (NM_004543.5); short protein forms Y6617*, Y4916*.
Identifiers: ClinVar variation 966571 (VCV000966571.8), dbSNP rs2095359371, ClinGen allele CA348787326.